The following is an entry in ClinVar:

ClinVar aggregate classification (germline): Pathogenic (1 of 4 stars; one submission).

Conditions:
Hyper-IgE recurrent infection syndrome 3, autosomal recessive. Also called: Autosomal recessive hyper-IgE syndrome due to ZNF341 deficiency; HYPER-IgE SYNDROME 3, AUTOSOMAL RECESSIVE, WITH RECURRENT INFECTIONS. Identifiers: Orphanet 641368, MedGen C4748969, MONDO:0032654, OMIM 618282.

Submission:

Labcorp Genetics (formerly Invitae), Labcorp
Classification: Pathogenic for Combined immunodeficiency due to DOCK8 deficiency. Last evaluated: 2020-06-04. Review status: criteria provided, single submitter. Criteria: Invitae Variant Classification Sherloc (09022015). Collection method: clinical testing. Allele origin: germline.
Comment: For these reasons, this variant has been classified as Pathogenic. Loss-of-function variants in DOCK8 are known to be pathogenic (PMID: 14722525, 19776401). This variant has not been reported in the literature in individuals with DOCK8-related conditions. This variant is an out-of-frame deletion of the genomic region encompassing exon(s) 2-16 of the DOCK8 gene. This is expected to create a premature translational stop signal and result in an absent or disrupted protein product.

Literature cited by the submitters: PubMed 14722525; PubMed 19776401.

NC_000009.11:g.(?_271607)_(370320_?)del

Gene: DOCK8 (dedicator of cytokinesis 8; plus strand). Cytogenetic location: 9p24.3.
Variant type: Deletion.
Identifiers: ClinVar variation 1072707 (VCV001072707.9).